The following is an entry in ClinVar:

NM_058216.3(RAD51C):c.19C>A (p.Arg7Ser)

Gene: RAD51C (RAD51 paralog C; plus strand). Cytogenetic location: 17q22.
Variant type: single nucleotide variant.
Coding change: c.19C>A on transcript NM_058216.3 (MANE Select); coding-DNA position 19, C replaced by A.
Protein change: p.Arg7Ser; replaces arginine 7 with serine.
Molecular consequence: missense variant. On other transcripts: non-coding transcript variant (2).
Genome position (GRCh38, 1-based): chr17:58,692,662, C>A. VCF-style: chr17-58692662-C-A. GRCh37 (hg19) VCF-style: chr17-56770023-C-A.
Other names: c.19C>A, p.Arg7Ser (NM_002876.4); short protein forms R7S.
Identifiers: ClinVar variation 538779 (VCV000538779.20), dbSNP rs759759863, ClinGen allele CA400336232.

ClinVar aggregate classification (germline): Conflicting classifications of pathogenicity. Review status: criteria provided, conflicting classifications (1 of 4 stars). 5 submissions from 5 submitters: Uncertain significance (4); Likely benign (1). Last evaluated 2024-03-25.

Conditions:
Hereditary cancer-predisposing syndrome. Also called: Neoplastic Syndromes, Hereditary; Tumor predisposition; Hereditary Cancer Syndrome; Hereditary neoplastic syndrome. Identifiers: Orphanet 140162, MedGen C0027672, MeSH D009386, MONDO:0015356.
Fanconi anemia complementation group O. Also called: RAD51C-Related Fanconi Anemia. Identifiers: Orphanet 84, MedGen C3150653, MONDO:0013248, OMIM 613390.
Breast-ovarian cancer, familial, susceptibility to, 3. Also called: RAD51C-Related Breast/Ovarian Cancer. Identifiers: Orphanet 145, MedGen C3150659, MONDO:0013253, OMIM 613399.

Allele frequency attached by ClinVar (database versions not stated): gnomAD 0.00001; TOPMed 0.00002.
gnomAD v4.1: 3 of 1,614,076 alleles (0.00019%); highest among the groups gnomAD compares: African/African-American, 0.004%; no homozygotes.

Submissions (5):

GeneDx
Classification: Uncertain significance. Last evaluated: 2024-03-25. Review status: criteria provided, single submitter. Criteria: GeneDx Variant Classification Process June 2021. Collection method: clinical testing. Allele origin: germline. Affected: yes.
Comment: Not observed at significant frequency in large population cohorts (gnomAD); In silico analysis supports that this missense variant does not alter protein structure/function; Observed in an individual with breast cancer (PMID: 25186627); This variant is associated with the following publications: (PMID: 25186627)

Fulgent Genetics
Classification: Uncertain significance for Fanconi anemia complementation group O; Breast-ovarian cancer, familial, susceptibility to, 3. Last evaluated: 2024-03-04. Review status: criteria provided, single submitter. Criteria: ACMG Guidelines, 2015. Collection method: clinical testing. Allele origin: germline.

Ambry Genetics
Classification: Likely benign for Hereditary cancer-predisposing syndrome. Last evaluated: 2024-02-26. Review status: criteria provided, single submitter. Criteria: Ambry Variant Classification Scheme 2023. Collection method: clinical testing. Allele origin: germline.

Labcorp Genetics (formerly Invitae), Labcorp
Classification: Uncertain significance for Fanconi anemia complementation group O. Last evaluated: 2023-11-29. Review status: criteria provided, single submitter. Criteria: Invitae Variant Classification Sherloc (09022015). Collection method: clinical testing. Allele origin: germline.
Comment: This sequence change replaces arginine, which is basic and polar, with serine, which is neutral and polar, at codon 7 of the RAD51C protein (p.Arg7Ser). This variant is present in population databases (no rsID available, gnomAD 0.007%). This variant has not been reported in the literature in individuals affected with RAD51C-related conditions. ClinVar contains an entry for this variant (Variation ID: 538779). Algorithms developed to predict the effect of missense changes on protein structure and function output the following: SIFT: "Not Available"; PolyPhen-2: "Benign"; Align-GVGD: "Not Available". The serine amino acid residue is found in multiple mammalian species, which suggests that this missense change does not adversely affect protein function. In summary, the available evidence is currently insufficient to determine the role of this variant in disease. Therefore, it has been classified as a Variant of Uncertain Significance.

Color Diagnostics, LLC DBA Color Health
Classification: Uncertain significance for Hereditary cancer-predisposing syndrome. Last evaluated: 2019-07-19. Review status: criteria provided, single submitter. Criteria: ACMG Guidelines, 2015. Collection method: clinical testing. Allele origin: germline.
Comment: This missense variant replaces arginine with serine at codon 7 of the RAD51C protein. Computational prediction tools and conservation analyses suggest that this variant may not impact the protein function. Computational splicing tools suggest that this variant may not impact RNA splicing. To our knowledge, functional assays have not been performed for this variant nor has this variant been reported in individuals affected with hereditary cancer in the literature. This variant has been identified in 1/251408 chromosomes in the general population by the Genome Aggregation Database (gnomAD). Available evidence is insufficient to determine the role of this variant in disease conclusively. Therefore, this variant is classified as a Variant of Uncertain Significance.

Literature cited by the submitters: PubMed 25186627 (cited by Ambry Genetics).